The following is an entry in ClinVar:

ClinVar aggregate classification (germline): Benign (1 of 4 stars; one submission).

Submission:

ISCA site 4
Classification: Benign. Last evaluated: 2011-08-12. Review status: criteria provided, single submitter. Criteria: Kaminsky et al. (Genet Med. 2011). Collection method: clinical testing. Allele origin: unknown. Affected: yes. Observed: 1 variant allele.
Comment: Copy number variation identified through the course of routine clinical cytogenomic testing in postnatal populations. Clinical assertions have been curated as described in Kaminsky et al. 2011.

GRCh38/hg38 4q33-34.1(chr4:170595210-171631981)x1

Genes: LINC02174 (long intergenic non-protein coding RNA 2174; minus strand), LINC02382 (long intergenic non-protein coding RNA 2382; minus strand), LINC02431 (long intergenic non-protein coding RNA 2431; plus strand), LINC02504 (long intergenic non-protein coding RNA 2504; minus strand), MIR6082 (microRNA 6082; plus strand) and 2 more. Cytogenetic location: 4q33-34.1.
Variant type: copy number loss.
Change: copy number 1 (one copy instead of two) of chr4:170,595,210-171,631,981 (1.04 Mb, GRCh38 coordinates, 1-based), cytogenetic band 4q33-34.1.
Identifiers: ClinVar variation 57485 (VCV000057485.1).